The following is an entry in ClinVar:

NM_030665.4(RAI1):c.4844A>G (p.Asn1615Ser)

Gene: RAI1 (retinoic acid induced 1; plus strand). Cytogenetic location: 17p11.2.
Variant type: single nucleotide variant.
Coding change: c.4844A>G on transcript NM_030665.4 (MANE Select); coding-DNA position 4844, A replaced by G.
Protein change: p.Asn1615Ser; replaces asparagine 1615 with serine.
Molecular consequence: missense variant.
Genome position (GRCh38, 1-based): chr17:17,797,792, A>G. VCF-style: chr17-17797792-A-G. GRCh37 (hg19) VCF-style: chr17-17701106-A-G.
Other names: short protein forms N1615S.
Identifiers: ClinVar variation 1435875 (VCV001435875.11), dbSNP rs751888195, ClinGen allele CA398557714.
Genomic context (GRCh38, chr17:17,797,792, plus strand): 5'-TCTCACCCTTCGTGCGGGTGGAGAAGCGAGACGCGTTCACCACCATATGCACTGTTGTCA[A>G]CTCCCCTGGAGATGCGCCCAAGCCCCACAGGAAGCCTTCCTCCTCTGCCTCCTCTTCCTC-3'
Protein context (NP_109590.3, residues 1605-1625): DAFTTICTVV[Asn1615Ser]SPGDAPKPHR

ClinVar aggregate classification (germline): Uncertain significance. Review status: criteria provided, multiple submitters, no conflicts (2 of 4 stars). 4 submissions from 4 submitters: Uncertain significance (4). Last evaluated 2026-01-16.

Conditions:
Inborn genetic diseases. Identifiers: MedGen C0950123, MeSH D030342.
Smith-Magenis syndrome (SMS). Also called: CHROMOSOME 17p11.2 DELETION SYNDROME. Identifiers: Orphanet 819, MedGen C0795864, MONDO:0008434, OMIM 182290.

Allele frequency attached by ClinVar (database versions not stated): TOPMed 0.00001; gnomAD 0.00002.
gnomAD v4.1: 16 of 1,613,178 alleles (0.00099%); highest among the groups gnomAD compares: African/African-American, 0.0027%; no homozygotes.

Submissions (4):

Dasa
Classification: Uncertain significance for Smith-Magenis syndrome. Last evaluated: 2026-01-16. Review status: criteria provided, single submitter. Criteria: DASA Assertion Criteria. Collection method: clinical testing. Allele origin: germline.
Comment: NM_030665.4(RAI1):c.4844A>G (p.Asn1615Ser) is a missense variant that results in the substitution of asparagine with serine. This variant is rare in population databases. The currently available literature and clinical evidence are not sufficient to establish a definitive association between this variant and the reported condition. Therefore, this variant is classified as a variant of uncertain significance.

Women's Health and Genetics/Laboratory Corporation of America, LabCorp
Classification: Uncertain significance. Last evaluated: 2025-09-15. Review status: criteria provided, single submitter. Criteria: LabCorp Variant Classification Summary - May 2015. Collection method: clinical testing. Allele origin: germline.
Comment: Variant summary: RAI1 c.4844A>G (p.Asn1615Ser) results in a conservative amino acid change in the encoded protein sequence. Algorithms developed to predict the effect of missense changes on protein structure and function are either unavailable or do not agree on the potential impact of this missense change. The variant was absent in 251312 control chromosomes. The available data on variant occurrences in the general population are insufficient to allow any conclusion about variant significance. To our knowledge, no occurrence of c.4844A>G in individuals affected with RAI1-related conditions and no experimental evidence demonstrating its impact on protein function have been reported. ClinVar contains an entry for this variant (Variation ID: 1435875). Based on the evidence outlined above, the variant was classified as uncertain significance.

Labcorp Genetics (formerly Invitae), Labcorp
Classification: Uncertain significance. Last evaluated: 2023-01-29. Review status: criteria provided, single submitter. Criteria: Invitae Variant Classification Sherloc (09022015). Collection method: clinical testing. Allele origin: germline.
Comment: This variant has not been reported in the literature in individuals affected with RAI1-related conditions. ClinVar contains an entry for this variant (Variation ID: 1435875). Advanced modeling of protein sequence and biophysical properties (such as structural, functional, and spatial information, amino acid conservation, physicochemical variation, residue mobility, and thermodynamic stability) performed at Invitae indicates that this missense variant is expected to disrupt RAI1 protein function. In summary, the available evidence is currently insufficient to determine the role of this variant in disease. Therefore, it has been classified as a Variant of Uncertain Significance. This variant is present in population databases (no rsID available, gnomAD 0.01%). This sequence change replaces asparagine, which is neutral and polar, with serine, which is neutral and polar, at codon 1615 of the RAI1 protein (p.Asn1615Ser).

Ambry Genetics
Classification: Uncertain significance for Inborn genetic diseases. Last evaluated: 2017-06-13. Review status: criteria provided, single submitter. Criteria: Ambry Variant Classification Scheme 2023. Collection method: clinical testing. Allele origin: germline.
Comment: The p.N1615S variant (also known as c.4844A>G), located in coding exon 1 of the RAI1 gene, results from an A to G substitution at nucleotide position 4844. The asparagine at codon 1615 is replaced by serine, an amino acid with highly similar properties. This amino acid position is highly conserved in available vertebrate species. In addition, the in silico prediction for this alteration is inconclusive. Since supporting evidence is limited at this time, the clinical significance of this alteration remains unclear.